The following is an entry in ClinVar:

ClinVar aggregate classification (germline): Likely pathogenic (1 of 4 stars; one submission).

Conditions:
X-linked lymphoproliferative disease due to XIAP deficiency. Also called: XIAP-Related Lymphoproliferative Disease, X-Linked; XIAP DEFICIENCY. Identifiers: Orphanet 2442, Orphanet 538934, MedGen C1845076, MONDO:0010385, OMIM 300635.

Submission:

Laboratorio de Genetica e Diagnostico Molecular, Hospital Israelita Albert Einstein
Classification: Likely pathogenic for X-linked lymphoproliferative disease due to XIAP deficiency. Last evaluated: 2023-07-22. Review status: criteria provided, single submitter. Criteria: ACMG Guidelines, 2015. Collection method: clinical testing. Allele origin: germline. Affected: yes.
Comment: ACMG classification criteria: PVS1 strong, PM2 moderate

NM_001167.4(XIAP):c.1252C>T (p.Gln418Ter)

Gene: XIAP (X-linked inhibitor of apoptosis; plus strand). Cytogenetic location: Xq25.
Variant type: single nucleotide variant.
Coding change: c.1252C>T on transcript NM_001167.4 (MANE Select); coding-DNA position 1252, C replaced by T.
Protein change: p.Gln418Ter; replaces glutamine 418 with a stop codon.
Molecular consequence: nonsense. On other transcripts: non-coding transcript variant (2).
Genome position (GRCh38, 1-based): chrX:123,900,645, C>T. VCF-style: chrX-123900645-C-T. GRCh37 (hg19) VCF-style: chrX-123034495-C-T.
Other names: c.1252C>T, p.Gln418Ter (NM_001204401.2, NM_001378590.1, NM_001378591.1 and 1 more transcripts); short protein forms Q418*.
Identifiers: ClinVar variation 4076328 (VCV004076328.1).